The following is an entry in ClinVar:

NM_007055.4(POLR3A):c.2521G>A (p.Gly841Ser)

Gene: POLR3A (RNA polymerase III subunit A; minus strand). Cytogenetic location: 10q22.3.
Variant type: single nucleotide variant.
Coding change: c.2521G>A on transcript NM_007055.4 (MANE Select); coding-DNA position 2521, G replaced by A.
Protein change: p.Gly841Ser; replaces glycine 841 with serine.
Molecular consequence: missense variant.
Genome position (GRCh38, 1-based): chr10:78,000,076, C>T on the plus strand (G>A on the coding strand, the complement: POLR3A is on the minus strand). VCF-style: chr10-78000076-C-T. GRCh37 (hg19) VCF-style: chr10-79759834-C-T.
Other names: NM_007055.4(POLR3A):c.2521G>A; p.Gly841Ser; c.2521G>A (NM_007055.3); short protein forms G841S.
Identifiers: ClinVar variation 1298491 (VCV001298491.45), dbSNP rs192332506, ClinGen allele CA5571099.
Genomic context (GRCh38, chr10:78,000,076, plus strand): 5'-TGTCGACTAGACCTTCCCGGCCGGCCATTGTGTGGAAGAAAAACTCAGTTGGTGTCAAAC[C>T]GGAATAAAAGCTATTAGCCACAAAGCCTTTGGCAGCTGGGAGCTAAAGAGAGGTAGAAAA-3'
Protein context (NP_008986.2, residues 831-851): KGFVANSFYS[Gly841Ser]LTPTEFFFHT

ClinVar aggregate classification (germline): Uncertain significance. Review status: criteria provided, multiple submitters, no conflicts (2 of 4 stars). 6 submissions from 6 submitters: Uncertain significance (6). Last evaluated 2025-01-27.

Conditions:
Inborn genetic diseases. Identifiers: MedGen C0950123, MeSH D030342.
Leukodystrophy, hypomyelinating, 7, with or without oligodontia and/or hypogonadotropic hypogonadism (HLD7). Also called: LEUKOENCEPHALOPATHY, HYPOMYELINATING, WITH ATAXIA AND DELAYED DENTITION; ATAXIA, DELAYED DENTITION, AND HYPOMYELINATION; LEUKODYSTROPHY, HYPOMYELINATING, 7, WITH OLIGODONTIA; LEUKODYSTROPHY, HYPOMYELINATING, 7, WITH OLIGODONTIA AND HYPOGONADOTROPIC HYPOGONADISM; LEUKODYSTROPHY, HYPOMYELINATING, 7, WITHOUT OLIGODONTIA OR HYPOGONADOTROPIC HYPOGONADISM; Ataxia, Delayed Dentition and Hypomyelination (ADDH). Identifiers: Orphanet 137639, Orphanet 447893, Orphanet 447896, Orphanet 77295, Orphanet 88637, MedGen CN034185, MONDO:0011897, OMIM 607694.
Leukodystrophy. Identifiers: Orphanet 68356, MedGen C0023520, MONDO:0019046, HP:0002415.

Allele frequency attached by ClinVar (database versions not stated): gnomAD exomes 0.00001 and 0.00002; ExAC 0.00002; 1000 Genomes Project 30x 0.00016; 1000 Genomes Project 0.00020.
gnomAD v4.1: 17 of 1,613,826 alleles (0.0011%); highest among the groups gnomAD compares: East Asian, 0.0045%; no homozygotes.

Submissions (6):

Undiagnosed Diseases Network, NIH
Classification: Uncertain significance for Leukodystrophy, hypomyelinating, 7, with or without oligodontia and/or hypogonadotropic hypogonadism. Last evaluated: 2025-01-27. Review status: criteria provided, single submitter. Criteria: ACMG Guidelines, 2015. Collection method: clinical testing. Allele origin: maternal. Inheritance: Autosomal recessive inheritance. Affected: yes. Observed: 1 compound heterozygote. Study: Undiagnosed Diseases Network (NIH), UDN.

Broad Center for Mendelian Genomics, Broad Institute of MIT and Harvard
Classification: Uncertain significance for Leukodystrophy. Last evaluated: 2024-01-24. Review status: criteria provided, single submitter. Criteria: ACMG Guidelines, 2015. Collection method: curation. Allele origin: germline. Inheritance: Autosomal recessive inheritance.
Comment: The p.Gly841Ser variant in POLR3A has been reported in 1 individual with POLR3A-related disorders (PMID: 25133958), and has been identified in 0.006% (2/34588) of Latino/Admixed American chromosomes by the Genome Aggregation Database (gnomAD; dbSNP ID: rs192332506). Although this variant has been seen in the general population in a heterozygous state, its frequency is low enough to be consistent with a recessive carrier frequency. This variant has also been reported in ClinVar (Variation ID: 1298491) and has been interpreted as a variant of uncertain significance by Invitae and CeGaT Center for Human Genetics Tuebingen. Computational prediction tools and conservation analyses suggest that this variant may impact the protein, though this information is not predictive enough to determine pathogenicity. In summary, the clinical significance of the p.Gly841Ser variant is uncertain. ACMG/AMP Criteria applied: PP3, PM2_supporting (Richards 2015).

Women's Health and Genetics/Laboratory Corporation of America, LabCorp
Classification: Uncertain significance. Last evaluated: 2023-05-01. Review status: criteria provided, single submitter. Criteria: LabCorp Variant Classification Summary - May 2015. Collection method: clinical testing. Allele origin: germline.
Comment: Variant summary: POLR3A c.2521G>A (p.Gly841Ser) results in a non-conservative amino acid change located in the RNA polymerase Rpb1, domain 5 (IPR007081) of the encoded protein sequence. Five of five in-silico tools predict a damaging effect of the variant on protein function. The variant allele was found at a frequency of 2e-05 in 251456 control chromosomes (gnomAD). The available data on variant occurrences in the general population are insufficient to allow any conclusion about variant significance. c.2521G>A has been reported in the literature in an individual affected with cerebellar ataxia (example: Fogel_2014). This report does not provide unequivocal conclusions about association of the variant with Pol III-Related Leukodystrophy. To our knowledge, no experimental evidence demonstrating an impact on protein function has been reported. The following publication has been ascertained in the context of this evaluation (PMID: 25133958). Three clinical diagnostic laboratories have submitted clinical-significance assessments for this variant to ClinVar after 2014 and all classified the variant as uncertain significance. Based on the evidence outlined above, the variant was classified as uncertain significance.

Labcorp Genetics (formerly Invitae), Labcorp
Classification: Uncertain significance. Last evaluated: 2022-10-05. Review status: criteria provided, single submitter. Criteria: Invitae Variant Classification Sherloc (09022015). Collection method: clinical testing. Allele origin: germline.
Comment: This missense change has been observed in individual(s) with clinical features of leukodystrophy (PMID: 25133958). This variant is present in population databases (rs192332506, gnomAD 0.006%). This sequence change replaces glycine, which is neutral and non-polar, with serine, which is neutral and polar, at codon 841 of the POLR3A protein (p.Gly841Ser). ClinVar contains an entry for this variant (Variation ID: 1298491). In summary, the available evidence is currently insufficient to determine the role of this variant in disease. Therefore, it has been classified as a Variant of Uncertain Significance. Algorithms developed to predict the effect of sequence changes on RNA splicing suggest that this variant may create or strengthen a splice site. Advanced modeling of protein sequence and biophysical properties (such as structural, functional, and spatial information, amino acid conservation, physicochemical variation, residue mobility, and thermodynamic stability) performed at Invitae indicates that this missense variant is not expected to disrupt POLR3A protein function.

Ambry Genetics
Classification: Uncertain significance for Inborn genetic diseases. Last evaluated: 2021-09-10. Review status: criteria provided, single submitter. Criteria: Ambry Variant Classification Scheme 2023. Collection method: clinical testing. Allele origin: germline.
Comment: (Fogel, 2014) Based on insufficient or conflicting evidence, the clinical significance of this alteration remains unclear.

CeGaT Center for Human Genetics Tuebingen
Classification: Uncertain significance. Last evaluated: 2021-07-01. Review status: criteria provided, single submitter. Criteria: CeGaT Center For Human Genetics Tuebingen Variant Classification Criteria Version 2. Collection method: clinical testing. Allele origin: germline. Affected: yes. Observed: 1 variant allele.

Literature cited by the submitters: PubMed 25133958 (cited by 3 submitters).